The following is an entry in ClinVar:

NM_001465.6(FYB1):c.1925A>G (p.Gln642Arg)

Gene: FYB1 (FYN binding protein 1; minus strand). Cytogenetic location: 5p13.1.
Variant type: single nucleotide variant.
Coding change: c.1925A>G on transcript NM_001465.6 (MANE Select); coding-DNA position 1925, A replaced by G.
Protein change: p.Gln642Arg; replaces glutamine 642 with arginine.
Molecular consequence: missense variant. On other transcripts: intron variant (2).
Genome position (GRCh38, 1-based): chr5:39,126,118, T>C on the plus strand (A>G on the coding strand, the complement: FYB1 is on the minus strand). VCF-style: chr5-39126118-T-C. GRCh37 (hg19) VCF-style: chr5-39126220-T-C.
Other names: p.Gln642Arg; c.1955A>G, p.Gln652Arg (NM_001243093.2); c.1925A>G, p.Gln642Arg (NM_001349333.2); c.1907+1623A>G (NM_199335.5); c.1937+1623A>G (NM_018594.2); short protein forms Q652R, Q642R.
Identifiers: ClinVar variation 4541044 (VCV004541044.2).

ClinVar aggregate classification (germline): Uncertain significance. Review status: criteria provided, multiple submitters, no conflicts (2 of 4 stars). 2 submissions from 2 submitters: Uncertain significance (2). Last evaluated 2025-04-23.

Submissions (2):

Mayo Clinic Laboratories, Mayo Clinic
Classification: Uncertain significance. Last evaluated: 2025-04-23. Review status: criteria provided, single submitter. Criteria: ACMG Guidelines, 2015. Collection method: clinical testing. Allele origin: germline. Observed: 1 variant allele.
Comment: BP4_moderate, PM2_supporting

Blueprint Genetics
Classification: Uncertain significance. Last evaluated: 2022-03-31. Review status: criteria provided, single submitter. Criteria: ACMG Guidelines, 2015. Collection method: clinical testing. Allele origin: germline.